The following is an entry in ClinVar:

ClinVar aggregate classification (germline): Uncertain significance (1 of 4 stars; one submission).

gnomAD v4.1: 3 of 1,569,432 alleles (0.00019%); highest among the groups gnomAD compares: Non-Finnish European, 0.00026%; no homozygotes.

Submission:

GeneDx
Classification: Uncertain significance. Last evaluated: 2022-04-13. Review status: criteria provided, single submitter. Criteria: GeneDx Variant Classification Process June 2021. Collection method: clinical testing. Allele origin: germline. Affected: yes.
Comment: Not observed at significant frequency in large population cohorts (gnomAD); In silico analysis supports that this missense variant does not alter protein structure/function; Has not been previously published as pathogenic or benign to our knowledge

NM_001038.6(SCNN1A):c.1927G>T (p.Ala643Ser)

Gene: SCNN1A (sodium channel epithelial 1 subunit alpha; minus strand). Cytogenetic location: 12p13.31.
Variant type: single nucleotide variant.
Coding change: c.1927G>T on transcript NM_001038.6 (MANE Select); coding-DNA position 1927, G replaced by T.
Protein change: p.Ala643Ser; replaces alanine 643 with serine.
Molecular consequence: missense variant.
Genome position (GRCh38, 1-based): chr12:6,347,956, C>A on the plus strand (G>T on the coding strand, the complement: SCNN1A is on the minus strand). VCF-style: chr12-6347956-C-A. GRCh37 (hg19) VCF-style: chr12-6457122-C-A.
Other names: c.1996G>T, p.Ala666Ser (NM_001159575.2); c.2104G>T, p.Ala702Ser (NM_001159576.2); short protein forms A643S, A666S, A702S.
Identifiers: ClinVar variation 1710789 (VCV001710789.2), dbSNP rs1948291574, ClinGen allele CA383552666.